The following is an entry in ClinVar:

ClinVar aggregate classification (germline): Uncertain significance (1 of 4 stars; one submission).

Conditions:
Hereditary cancer-predisposing syndrome. Also called: Tumor predisposition; Neoplastic Syndromes, Hereditary; Hereditary neoplastic syndrome; Hereditary Cancer Syndrome. Identifiers: Orphanet 140162, MedGen C0027672, MeSH D009386, MONDO:0015356.

Submission:

Ambry Genetics
Classification: Uncertain significance for Hereditary cancer-predisposing syndrome. Last evaluated: 2024-12-03. Review status: criteria provided, single submitter. Criteria: Ambry Variant Classification Scheme 2023. Collection method: clinical testing. Allele origin: germline.
Comment: The p.G630V variant (also known as c.1889G>T), located in coding exon 17 of the TSC2 gene, results from a G to T substitution at nucleotide position 1889. The glycine at codon 630 is replaced by valine, an amino acid with dissimilar properties. This amino acid position is highly conserved in available vertebrate species. In addition, this alteration is predicted to be deleterious by in silico analysis. Based on the available evidence, the clinical significance of this variant remains unclear.

NM_000548.5(TSC2):c.1889G>T (p.Gly630Val)

Gene: TSC2 (TSC complex subunit 2; plus strand). Cytogenetic location: 16p13.3.
Variant type: single nucleotide variant.
Coding change: c.1889G>T on transcript NM_000548.5 (MANE Select); coding-DNA position 1889, G replaced by T.
Protein change: p.Gly630Val; replaces glycine 630 with valine.
Molecular consequence: missense variant. On other transcripts: non-coding transcript variant (5).
Genome position (GRCh38, 1-based): chr16:2,071,559, G>T. VCF-style: chr16-2071559-G-T. GRCh37 (hg19) VCF-style: chr16-2121560-G-T.
Other names: c.545G>T, p.Gly182Val (NM_001406694.1, NM_001406695.1, NM_001406696.1 and 6 more transcripts); c.287G>T, p.Gly96Val (NM_001406698.1); c.1889G>T, p.Gly630Val (NM_021055.3, NM_001077183.3, NM_001114382.3 and 6 more transcripts); c.1778G>T, p.Gly593Val (NM_001318827.2, NM_001406670.1, NM_001406678.1); c.1742G>T, p.Gly581Val (NM_001318829.2, NM_001406675.1, NM_001406676.1 and 1 more transcripts); c.1289G>T, p.Gly430Val (NM_001318831.2, NM_001406680.1, NM_001406682.1 and 6 more transcripts); c.1922G>T, p.Gly641Val (NM_001318832.2); c.1979G>T, p.Gly660Val (NM_001406667.1, NM_001406668.1); and 3 more; short protein forms G626V, G641V, G96V, G182V, G581V, G476V, G593V, G611V.
Identifiers: ClinVar variation 3462674 (VCV003462674.1).